The following is an entry in ClinVar:

ClinVar aggregate classification (germline): Likely pathogenic (1 of 4 stars; one submission).

Conditions:
Classic homocystinuria. Also called: Homocystinuria due to CBS deficiency; Cystathionine beta-synthase deficiency; CBS deficiency; Homocystinuria due to Cystathionine Beta-Synthase Deficiency; HOMOCYSTINURIA WITH OR WITHOUT RESPONSE TO PYRIDOXINE. Identifiers: Orphanet 394, MedGen C0751202, MONDO:0009352, OMIM 236200.

Submission:

Myriad Genetics, Inc.
Classification: Likely pathogenic for Classic homocystinuria. Last evaluated: 2022-02-17. Review status: criteria provided, single submitter. Criteria: Myriad Women's Health Autosomal Recessive and X-Linked Classification Criteria (2021). Collection method: clinical testing. Allele origin: unknown.
Comment: NM_000071.2(CBS):c.1075A>T(K359*) is expected to be pathogenic in the context of homocystinuria, CBS-related. This variant is predicted to lead to an abnormal or absent protein product due to the creation of a premature termination codon in CBS, a gene where loss-of-function variants are known to be pathogenic. Please note: this variant was assessed in the context of healthy population screening.

NM_000071.3(CBS):c.1075A>T (p.Lys359Ter)

Gene: CBS (cystathionine beta-synthase; minus strand). Cytogenetic location: 21q22.3.
Variant type: single nucleotide variant.
Coding change: c.1075A>T on transcript NM_000071.3 (MANE Select); coding-DNA position 1075, A replaced by T.
Protein change: p.Lys359Ter; replaces lysine 359 with a stop codon.
Molecular consequence: nonsense.
Genome position (GRCh38, 1-based): chr21:43,060,511, T>A on the plus strand (A>T on the coding strand, the complement: CBS is on the minus strand). VCF-style: chr21-43060511-T-A. GRCh37 (hg19) VCF-style: chr21-44480621-T-A.
Other names: c.1075A>T, p.Lys359Ter (NM_001178008.3, NM_001178009.3, NM_001320298.2); c.760A>T, p.Lys254Ter (NM_001321072.1); short protein forms K254*, K359*.
Identifiers: ClinVar variation 1724452 (VCV001724452.2), dbSNP rs2517412566, ClinGen allele CA410398170.